The following is an entry in ClinVar:

NM_207111.4(RNF216):c.1577G>A (p.Arg526His)

Gene: RNF216 (ring finger protein 216; minus strand). Cytogenetic location: 7p22.1.
Variant type: single nucleotide variant.
Coding change: c.1577G>A on transcript NM_207111.4 (MANE Select); coding-DNA position 1577, G replaced by A.
Protein change: p.Arg526His; replaces arginine 526 with histidine.
Molecular consequence: missense variant.
Genome position (GRCh38, 1-based): chr7:5,721,100, C>T on the plus strand (G>A on the coding strand, the complement: RNF216 is on the minus strand). VCF-style: chr7-5721100-C-T. GRCh37 (hg19) VCF-style: chr7-5760731-C-T.
Other names: c.1406G>A, p.Arg469His (NM_001377156.1, NM_207116.3); short protein forms R469H, R526H.
Identifiers: ClinVar variation 3606853 (VCV003606853.2).

ClinVar aggregate classification (germline): Uncertain significance (1 of 4 stars; one submission).

gnomAD v4.1: 13 of 1,613,698 alleles (0.00081%); highest among the groups gnomAD compares: Non-Finnish European, 0.001%; no homozygotes.

Submission:

Labcorp Genetics (formerly Invitae), Labcorp
Classification: Uncertain significance. Last evaluated: 2024-07-12. Review status: criteria provided, single submitter. Criteria: Invitae Variant Classification Sherloc (09022015). Collection method: clinical testing. Allele origin: germline.
Comment: This sequence change replaces arginine, which is basic and polar, with histidine, which is basic and polar, at codon 526 of the RNF216 protein (p.Arg526His). This variant is not present in population databases (gnomAD no frequency). This variant has not been reported in the literature in individuals affected with RNF216-related conditions. An algorithm developed to predict the effect of missense changes on protein structure and function outputs the following: PolyPhen-2: "Benign". The histidine amino acid residue is found in multiple mammalian species, which suggests that this missense change does not adversely affect protein function. In summary, the available evidence is currently insufficient to determine the role of this variant in disease. Therefore, it has been classified as a Variant of Uncertain Significance.